The following is an entry in ClinVar:

NM_001290043.2(TAP2):c.1909C>A (p.Leu637Ile)

Gene: TAP2 (transporter 2, ATP binding cassette subfamily B member; minus strand). Cytogenetic location: 6p21.32.
Variant type: single nucleotide variant.
Coding change: c.1909C>A on transcript NM_001290043.2 (MANE Select); coding-DNA position 1909, C replaced by A.
Protein change: p.Leu637Ile; replaces leucine 637 with isoleucine.
Molecular consequence: missense variant.
Genome position (GRCh38, 1-based): chr6:32,829,423, G>T on the plus strand (C>A on the coding strand, the complement: TAP2 is on the minus strand). VCF-style: chr6-32829423-G-T. GRCh37 (hg19) VCF-style: chr6-32797200-G-T.
Other names: c.1909C>A, p.Leu637Ile (NM_000544.3, NM_018833.3); short protein forms L637I.
Identifiers: ClinVar variation 466370 (VCV000466370.9), dbSNP rs752068310, ClinGen allele CA363578924.

ClinVar aggregate classification (germline): Uncertain significance. Review status: criteria provided, multiple submitters, no conflicts (2 of 4 stars). 2 submissions from 2 submitters: Uncertain significance (2). Last evaluated 2025-01-18.

Conditions:
Inborn genetic diseases. Identifiers: MedGen C0950123, MeSH D030342.
MHC class I deficiency. Identifiers: Orphanet 34592, MedGen C6024714, MONDO:0011476.

Allele frequency attached by ClinVar (database versions not stated): gnomAD 0.00003; TOPMed 0.00003; gnomAD exomes below 0.00001.
gnomAD v4.1: 5 of 1,607,518 alleles (0.00031%); highest among the groups gnomAD compares: African/African-American, 0.0067%; no homozygotes.

Submissions (2):

Ambry Genetics
Classification: Uncertain significance for Inborn genetic diseases. Last evaluated: 2025-01-18. Review status: criteria provided, single submitter. Criteria: Ambry Variant Classification Scheme 2023. Collection method: clinical testing. Allele origin: germline.

Labcorp Genetics (formerly Invitae), Labcorp
Classification: Uncertain significance for MHC class I deficiency 1. Last evaluated: 2017-06-13. Review status: criteria provided, single submitter. Criteria: Invitae Variant Classification Sherloc (09022015). Collection method: clinical testing. Allele origin: germline.
Comment: This sequence change replaces leucine with isoleucine at codon 637 of the TAP2 protein (p.Leu637Ile). The leucine residue is highly conserved and there is a small physicochemical difference between leucine and isoleucine. This variant is not present in population databases (ExAC no frequency). This variant has not been reported in the literature in individuals with a TAP2-related disease. Algorithms developed to predict the effect of missense changes on protein structure and function do not agree on the potential impact of this missense change (SIFT: "Tolerated"; PolyPhen-2: "Probably Damaging"; Align-GVGD: "Class C0"). In summary, this variant has uncertain impact on TAP2 function. The available evidence is currently insufficient to determine its role in disease. Therefore, it has been classified as a Variant of Uncertain Significance.